The following is an entry in ClinVar:

ClinVar aggregate classification (germline): Conflicting classifications of pathogenicity. Review status: criteria provided, conflicting classifications (1 of 4 stars). 2 submissions from 2 submitters: Uncertain significance (1); Likely benign (1). Last evaluated 2025-08-28.

Conditions:
Hereditary cancer-predisposing syndrome. Also called: Hereditary neoplastic syndrome; Hereditary Cancer Syndrome; Tumor predisposition; Neoplastic Syndromes, Hereditary. Identifiers: Orphanet 140162, MedGen C0027672, MeSH D009386, MONDO:0015356.
Birt-Hogg-Dube syndrome. Also called: Birt Hogg Dubé syndrome. Identifiers: Orphanet 122, MedGen C0346010, MONDO:0800444.

Allele frequency attached by ClinVar (database versions not stated): gnomAD exomes below 0.00001.
gnomAD v4.1: 2 of 1,613,716 alleles (0.00012%); highest among the groups gnomAD compares: Non-Finnish European, 0.000085%; no homozygotes.

Submissions (2):

Labcorp Genetics (formerly Invitae), Labcorp
Classification: Uncertain significance for Birt-Hogg-Dube syndrome. Last evaluated: 2025-08-28. Review status: criteria provided, single submitter. Criteria: Invitae Variant Classification Sherloc (09022015). Collection method: clinical testing. Allele origin: germline.
Comment: This sequence change replaces asparagine, which is neutral and polar, with serine, which is neutral and polar, at codon 35 of the FLCN protein (p.Asn35Ser). This variant is not present in population databases (gnomAD no frequency). This variant has not been reported in the literature in individuals affected with FLCN-related conditions. ClinVar contains an entry for this variant (Variation ID: 971088). Invitae Evidence Modeling of protein sequence and biophysical properties (such as structural, functional, and spatial information, amino acid conservation, physicochemical variation, residue mobility, and thermodynamic stability) indicates that this missense variant is not expected to disrupt FLCN protein function with a negative predictive value of 80%. In summary, the available evidence is currently insufficient to determine the role of this variant in disease. Therefore, it has been classified as a Variant of Uncertain Significance.

Ambry Genetics
Classification: Likely benign for Hereditary cancer-predisposing syndrome. Last evaluated: 2020-11-05. Review status: criteria provided, single submitter. Criteria: Ambry Variant Classification Scheme 2023. Collection method: clinical testing. Allele origin: germline.

NM_144997.7(FLCN):c.104A>G (p.Asn35Ser)

Gene: FLCN (folliculin; minus strand). Cytogenetic location: 17p11.2.
Variant type: single nucleotide variant.
Coding change: c.104A>G on transcript NM_144997.7 (MANE Select); coding-DNA position 104, A replaced by G.
Protein change: p.Asn35Ser; replaces asparagine 35 with serine.
Molecular consequence: missense variant.
Genome position (GRCh38, 1-based): chr17:17,228,034, T>C on the plus strand (A>G on the coding strand, the complement: FLCN is on the minus strand). VCF-style: chr17-17228034-T-C. GRCh37 (hg19) VCF-style: chr17-17131348-T-C.
Other names: c.104A>G, p.Asn35Ser (NM_001353229.2, NM_001353230.2, NM_001353231.2 and 1 more transcripts); short protein forms N35S.
Identifiers: ClinVar variation 971088 (VCV000971088.9), dbSNP rs2047310284, ClinGen allele CA398535327.